The following is an entry in ClinVar:

ClinVar aggregate classification (germline): Uncertain significance (1 of 4 stars; one submission).

gnomAD v4.1: 1 of 1,605,978 alleles (0.000062%); highest among the groups gnomAD compares: East Asian, 0.0022%; no homozygotes.

Submission:

Labcorp Genetics (formerly Invitae), Labcorp
Classification: Uncertain significance. Last evaluated: 2025-10-15. Review status: criteria provided, single submitter. Criteria: Invitae Variant Classification Sherloc (09022015). Collection method: clinical testing. Allele origin: germline.
Comment: This sequence change replaces proline, which is neutral and non-polar, with serine, which is neutral and polar, at codon 268 of the NDUFA9 protein (p.Pro268Ser). This variant is not present in population databases (gnomAD no frequency). This variant has not been reported in the literature in individuals affected with NDUFA9-related conditions. An algorithm developed to predict the effect of missense changes on protein structure and function (PolyPhen-2) suggests that this variant is likely to be disruptive. In summary, the available evidence is currently insufficient to determine the role of this variant in disease. Therefore, it has been classified as a Variant of Uncertain Significance.

NM_005002.5(NDUFA9):c.802C>T (p.Pro268Ser)

Gene: NDUFA9 (NADH:ubiquinone oxidoreductase subunit A9; plus strand). Cytogenetic location: 12p13.32.
Variant type: single nucleotide variant.
Coding change: c.802C>T on transcript NM_005002.5 (MANE Select); coding-DNA position 802, C replaced by T.
Protein change: p.Pro268Ser; replaces proline 268 with serine.
Molecular consequence: missense variant.
Genome position (GRCh38, 1-based): chr12:4,682,206, C>T. VCF-style: chr12-4682206-C-T. GRCh37 (hg19) VCF-style: chr12-4791372-C-T.
Other names: short protein forms P268S.
Identifiers: ClinVar variation 4767850 (VCV004767850.1).